The following is an entry in ClinVar:

NM_012472.6(DNAAF11):c.1391C>T (p.Pro464Leu)

Gene: DNAAF11 (dynein axonemal assembly factor 11; minus strand). Cytogenetic location: 8q24.22.
Variant type: single nucleotide variant.
Coding change: c.1391C>T on transcript NM_012472.6 (MANE Select); coding-DNA position 1391, C replaced by T.
Protein change: p.Pro464Leu; replaces proline 464 with leucine.
Molecular consequence: missense variant. On other transcripts: non-coding transcript variant (10).
Genome position (GRCh38, 1-based): chr8:132,572,316, G>A on the plus strand (C>T on the coding strand, the complement: DNAAF11 is on the minus strand). VCF-style: chr8-132572316-G-A. GRCh37 (hg19) VCF-style: chr8-133584564-G-A.
Other names: p.Pro464Leu; c.1331C>T, p.Pro444Leu (NM_001321961.2); c.1145C>T, p.Pro382Leu (NM_001321962.2); c.1031C>T, p.Pro344Leu (NM_001321963.2, NM_001321964.2, NM_001321965.2); c.971C>T, p.Pro324Leu (NM_001321966.2); short protein forms P464L, P324L, P382L, P444L, P344L.
Identifiers: ClinVar variation 260273 (VCV000260273.26), dbSNP rs139131485, ClinGen allele CA4881072.

ClinVar aggregate classification (germline): Conflicting classifications of pathogenicity. Review status: criteria provided, conflicting classifications (1 of 4 stars). 10 submissions from 10 submitters: Uncertain significance (3); Benign (2); Likely benign (4). 1 of the submissions does not count toward it. Last evaluated 2025-12-27.

Conditions:
Multiple sclerosis, susceptibility to. Also called: DISSEMINATED SCLEROSIS. Identifiers: MedGen C1868685, MONDO:0007462, OMIM 126200.
Primary ciliary dyskinesia 19. Also called: CILIARY DYSKINESIA, PRIMARY, 19, WITH OR WITHOUT SITUS INVERSUS. Identifiers: Orphanet 244, MedGen C3543826, MONDO:0013979, OMIM 614935.
Primary ciliary dyskinesia. Also called: Ciliary dyskinesia. Identifiers: Orphanet 244, MedGen C0008780, MONDO:0016575, HP:0012265.

Allele frequency attached by ClinVar (database versions not stated): ExAC 0.00153; gnomAD 0.00036 and 0.00052; TOPMed 0.00060; 1000 Genomes Project 30x 0.00062; ESP Exome Variant Server 0.00069; 1000 Genomes Project 0.00080; gnomAD exomes 0.00091 and 0.00137.
gnomAD v4.1: 1,407 of 1,612,294 alleles (0.087%); highest among the groups gnomAD compares: South Asian, 0.83%; 11 homozygotes.

Submissions (10):

Labcorp Genetics (formerly Invitae), Labcorp
Classification: Likely benign for Primary ciliary dyskinesia 19. Last evaluated: 2025-12-27. Review status: criteria provided, single submitter. Criteria: Invitae Variant Classification Sherloc (09022015). Collection method: clinical testing. Allele origin: germline.

Mayo Clinic Laboratories, Mayo Clinic
Classification: Benign. Last evaluated: 2025-06-17. Review status: criteria provided, single submitter. Criteria: ACMG Guidelines, 2015. Collection method: clinical testing. Allele origin: germline. Observed: 1 variant allele.
Comment: BS1, BS2

Blueprint Genetics
Classification: Likely benign. Last evaluated: 2024-11-14. Review status: criteria provided, single submitter. Criteria: ACMG Guidelines, 2015. Collection method: clinical testing. Allele origin: germline.

Department of Pathology and Laboratory Medicine, Sinai Health System
Classification: Likely benign for primary ciliary dyskinesia 19. Last evaluated: 2023-02-22. Review status: criteria provided, single submitter. Criteria: ACMG Guidelines, 2015. Collection method: research. Allele origin: germline.

Illumina Laboratory Services, Illumina
Classification: Uncertain significance for Primary ciliary dyskinesia 19. Last evaluated: 2018-01-13. Review status: criteria provided, single submitter. Criteria: ICSL Variant Classification Criteria 13 December 2019. Collection method: clinical testing. Allele origin: germline.

Ambry Genetics
Classification: Benign for Primary ciliary dyskinesia. Last evaluated: 2017-10-30. Review status: criteria provided, single submitter. Criteria: Ambry Variant Classification Scheme 2023. Collection method: clinical testing. Allele origin: germline.

GeneDx
Classification: Uncertain significance. Last evaluated: 2017-01-31. Review status: criteria provided, single submitter. Criteria: GeneDx Variant Classification (06012015). Collection method: clinical testing. Allele origin: germline. Affected: yes.
Comment: The P464L variant in the LRRC6 gene has not been reported previously as a pathogenic variant, nor as a benign variant, to our knowledge. This variant was not observed at any significant frequency in approximately 6500 individuals of European and African American ancestry in the NHLBI Exome Sequencing Project, indicating it is not a common benign variant in these populations. However, P464L was observed with an allele frequency of 0.72% in individuals of South Asian ancestry the Exome Aggregation Consortium (ExAC) data set, indicating it may be a rare variant in this population. The P464L variant is a semi-conservative amino acid substitution, which may impact secondary protein structure as these residues differ in some properties. This substitution occurs at a position that is conserved in mammals. In silico analysis predicts this variant is probably damaging to the protein structure/function. We interpret P464L as a variant of uncertain significance.

ARUP Laboratories, Molecular Genetics and Genomics, ARUP Laboratories
Classification: Uncertain significance. Review status: criteria provided, single submitter. Criteria: ARUP Molecular Germline Variant Investigation Process 2024. Collection method: clinical testing. Allele origin: germline.

PreventionGenetics, part of Exact Sciences
Classification: Likely benign. Review status: criteria provided, single submitter. Criteria: ACMG Guidelines, 2015. Collection method: clinical testing. Allele origin: germline.

Department of Molecular Biology and Genetics, Acibadem University
Classification: risk factor for Multiple sclerosis, susceptibility to. Review status: no assertion criteria provided. Collection method: research. Allele origin: inherited. Inheritance: Autosomal dominant inheritance. Affected: yes. Observed: 4 variant alleles, 4 heterozygotes. Not counted in ClinVar's aggregate classification.
Comment: A family with 4 affected and 4 unaffected members was analyzed. The variant is segregated with MS in a fully penetrant manner in the family.